The following is an entry in ClinVar:

ClinVar aggregate classification (germline): Benign/Likely benign. Review status: criteria provided, multiple submitters, no conflicts (2 of 4 stars). 5 submissions from 5 submitters: Benign (1); Likely benign (3). 1 of the submissions does not count toward it. Last evaluated 2025-08-12.

Conditions:
Familial melanoma. Also called: Hereditary melanoma; Hereditary cutaneous melanoma. Identifiers: Orphanet 618, MedGen C1512419, MONDO:0018961.
Melanoma-pancreatic cancer syndrome. Identifiers: Orphanet 404560, MedGen C1838547, MONDO:0011713, OMIM 606719. Disease mechanism: loss of function.
CDKN2A-related disorder. Also called: CDKN2A-related condition.
Hereditary cancer-predisposing syndrome. Also called: Neoplastic Syndromes, Hereditary; Hereditary neoplastic syndrome; Hereditary Cancer Syndrome; Tumor predisposition. Identifiers: Orphanet 140162, MedGen C0027672, MeSH D009386, MONDO:0015356.

Allele frequency attached by ClinVar (database versions not stated): gnomAD exomes 0.00001; ExAC 0.00001; gnomAD 0.00001 and 0.00002; TOPMed 0.00001.
gnomAD v4.1: 12 of 1,606,520 alleles (0.00075%); highest among the groups gnomAD compares: African/African-American, 0.0013%; no homozygotes.

Submissions (5):

Myriad Genetics, Inc.
Classification: Benign for Melanoma-pancreatic cancer syndrome. Last evaluated: 2025-08-12. Review status: criteria provided, single submitter. Criteria: Myriad Autosomal Dominant, Autosomal Recessive and X-Linked Classification Criteria (2023). Collection method: clinical testing. Allele origin: unknown.
Comment: This variant is considered benign. This variant is a silent/synonymous amino acid change and it is not expected to impact splicing.

GeneDx
Classification: Likely benign. Last evaluated: 2021-06-06. Review status: criteria provided, single submitter. Criteria: GeneDx Variant Classification Process June 2021. Collection method: clinical testing. Allele origin: germline. Affected: yes.

Labcorp Genetics (formerly Invitae), Labcorp
Classification: Likely benign for Familial melanoma. Last evaluated: 2020-07-30. Review status: criteria provided, single submitter. Criteria: Invitae Variant Classification Sherloc (09022015). Collection method: clinical testing. Allele origin: germline.

Ambry Genetics
Classification: Likely benign for Hereditary cancer-predisposing syndrome. Last evaluated: 2015-09-28. Review status: criteria provided, single submitter. Criteria: Ambry Variant Classification Scheme 2023. Collection method: clinical testing. Allele origin: germline.

PreventionGenetics, part of Exact Sciences
Classification: Likely benign for CDKN2A-related condition. Last evaluated: 2019-03-12. Review status: no assertion criteria provided. Collection method: clinical testing. Allele origin: germline. Not counted in ClinVar's aggregate classification.
Comment: This variant is classified as likely benign based on ACMG/AMP sequence variant interpretation guidelines (Richards et al. 2015 PMID: 25741868, with internal and published modifications).

NM_058195.4(CDKN2A):c.135C>G (p.Leu45=)

Gene: CDKN2A (cyclin dependent kinase inhibitor 2A; minus strand). Cytogenetic location: 9p21.3.
Variant type: single nucleotide variant.
Coding change: c.135C>G on transcript NM_058195.4 (MANE Plus Clinical); coding-DNA position 135, C replaced by G.
Protein change: p.Leu45=; no amino-acid change (leucine 45 retained).
Molecular consequence: synonymous variant. On other transcripts: intron variant (1).
Genome position (GRCh38, 1-based): chr9:21,994,197, G>C on the plus strand (C>G on the coding strand, the complement: CDKN2A is on the minus strand). VCF-style: chr9-21994197-G-C. GRCh37 (hg19) VCF-style: chr9-21994196-G-C.
Other names: c.-4+624C>G (NM_001363763.2).
Identifiers: ClinVar variation 381555 (VCV000381555.17), dbSNP rs766676234, ClinGen allele CA5012383.